The following is an entry in ClinVar:

NM_170606.3(KMT2C):c.2009T>G (p.Leu670Ter)

Gene: KMT2C (lysine methyltransferase 2C; minus strand). Cytogenetic location: 7q36.1.
Variant type: single nucleotide variant.
Coding change: c.2009T>G on transcript NM_170606.3 (MANE Select); coding-DNA position 2009, T replaced by G.
Protein change: p.Leu670Ter; replaces leucine 670 with a stop codon.
Molecular consequence: nonsense.
Genome position (GRCh38, 1-based): chr7:152,248,425, A>C on the plus strand (T>G on the coding strand, the complement: KMT2C is on the minus strand). VCF-style: chr7-152248425-A-C. GRCh37 (hg19) VCF-style: chr7-151945510-A-C.
Other names: short protein forms L670*.
Identifiers: ClinVar variation 4881310 (VCV004881310.2).

ClinVar aggregate classification (germline): Likely pathogenic (1 of 4 stars; one submission).

Conditions:
Kleefstra syndrome 2 (KLEFS2). Identifiers: MedGen C4540395, MONDO:0054701, OMIM 617768.

Submission:

Dasa
Classification: Likely pathogenic for Kleefstra syndrome 2. Last evaluated: 2025-12-12. Review status: criteria provided, single submitter. Criteria: DASA Assertion Criteria. Collection method: clinical testing. Allele origin: germline.
Comment: NM_170606.3(KMT2C):c.2009T>G (p.Leu670*) is a nonsense variant in KMT2C predicted to introduce a premature termination codon and is predicted to result in an absent or altered protein product. Loss of function is an established disease mechanism for KMT2C (PMID: 23375656; PMID: 22726846; PMID: 29069077). Also, this variant is rare in population databases. Based on the currently available evidence, this variant is classified as likely pathogenic.

Literature cited by the submitters: PubMed 23375656; PubMed 22726846; PubMed 29069077.